The following is an entry in ClinVar:

NM_173598.6(KSR2):c.698C>T (p.Pro233Leu)

Gene: KSR2 (kinase suppressor of ras 2; minus strand). Cytogenetic location: 12q24.23.
Variant type: single nucleotide variant.
Coding change: c.698C>T on transcript NM_173598.6 (MANE Select); coding-DNA position 698, C replaced by T.
Protein change: p.Pro233Leu; replaces proline 233 with leucine.
Molecular consequence: missense variant.
Genome position (GRCh38, 1-based): chr12:117,761,299, G>A on the plus strand (C>T on the coding strand, the complement: KSR2 is on the minus strand). VCF-style: chr12-117761299-G-A. GRCh37 (hg19) VCF-style: chr12-118199104-G-A.
Other names: short protein forms P233L.
Identifiers: ClinVar variation 3358672 (VCV003358672.1).

ClinVar aggregate classification (germline): Uncertain significance (0 of 4 stars; one submission).

Conditions:
KSR2-related disorder. Also called: KSR2-related condition.

gnomAD v4.1: 14 of 1,521,486 alleles (0.00092%); highest among the groups gnomAD compares: Admixed American, 0.0046%; no homozygotes.

Submission:

PreventionGenetics, part of Exact Sciences
Classification: Uncertain significance for KSR2-related condition. Last evaluated: 2024-07-10. Review status: no assertion criteria provided. Collection method: clinical testing. Allele origin: germline.
Comment: The KSR2 c.611C>T variant is predicted to result in the amino acid substitution p.Pro204Leu. To our knowledge, this variant has not been reported in the literature. This variant is reported in 0.0071% of alleles in individuals of South Asian descent in gnomAD. At this time, the clinical significance of this variant is uncertain due to the absence of conclusive functional and genetic evidence.